The following is an entry in ClinVar:

ClinVar aggregate classification (germline): Uncertain significance (1 of 4 stars; one submission).

Conditions:
Renal cell carcinoma. Identifiers: Orphanet 217071, MedGen C0007134, MeSH D002292, MONDO:0005086, HP:0005584.

Submission:

Labcorp Genetics (formerly Invitae), Labcorp
Classification: Uncertain significance for Renal cell carcinoma. Last evaluated: 2025-01-16. Review status: criteria provided, single submitter. Criteria: Invitae Variant Classification Sherloc (09022015). Collection method: clinical testing. Allele origin: germline.
Comment: This sequence change replaces asparagine, which is neutral and polar, with aspartic acid, which is acidic and polar, at codon 796 of the MET protein (p.Asn796Asp). This variant is not present in population databases (gnomAD no frequency). This variant has not been reported in the literature in individuals affected with MET-related conditions. Invitae Evidence Modeling of protein sequence and biophysical properties (such as structural, functional, and spatial information, amino acid conservation, physicochemical variation, residue mobility, and thermodynamic stability) indicates that this missense variant is not expected to disrupt MET protein function with a negative predictive value of 80%. In summary, the available evidence is currently insufficient to determine the role of this variant in disease. Therefore, it has been classified as a Variant of Uncertain Significance.

NM_000245.4(MET):c.2332A>G (p.Asn778Asp)

Gene: MET (MET proto-oncogene, receptor tyrosine kinase; plus strand). Cytogenetic location: 7q31.2.
Variant type: single nucleotide variant.
Coding change: c.2332A>G on transcript NM_000245.4 (MANE Select); coding-DNA position 2332, A replaced by G.
Protein change: p.Asn778Asp; replaces asparagine 778 with aspartic acid.
Molecular consequence: missense variant.
Genome position (GRCh38, 1-based): chr7:116,759,458, A>G. VCF-style: chr7-116759458-A-G. GRCh37 (hg19) VCF-style: chr7-116399512-A-G.
Other names: c.2386A>G, p.Asn796Asp (NM_001127500.3); c.2332A>G, p.Asn778Asp (NM_001324401.3); c.1042A>G, p.Asn348Asp (NM_001324402.2); short protein forms N796D, N778D, N348D.
Identifiers: ClinVar variation 3665000 (VCV003665000.2).